The following is an entry in ClinVar:

NM_004523.4(KIF11):c.301_302del (p.Ile101fs)

Gene: KIF11 (kinesin family member 11; plus strand). Cytogenetic location: 10q23.33.
Variant type: Deletion.
Coding change: c.301_302del on transcript NM_004523.4 (MANE Select); coding-DNA positions 301 to 302, 2 bases deleted (AT; older notation c.301_302delAT).
Protein change: p.Ile101fs; shifts the reading frame from isoleucine 101.
Molecular consequence: frameshift variant.
Genome position (GRCh38, 1-based): chr10:92,606,709-92,606,710, AT deleted; deleting any 2 consecutive bases within chr10:92,606,708-92,606,710 gives the same sequence; the c. name uses the placement nearest the transcript's 3' end. VCF-style (leftmost placement, unchanged base first): chr10-92606707-CTA-C. GRCh37 (hg19) VCF-style: chr10-94366464-CTA-C.
Other names: short protein forms I101fs.
Identifiers: ClinVar variation 2691873 (VCV002691873.2), dbSNP rs2492476656, ClinGen allele CA2697558663.

ClinVar aggregate classification (germline): Likely pathogenic (1 of 4 stars; one submission).

Conditions:
Microcephaly with or without chorioretinopathy, lymphedema, or impaired intellectual development. Also called: Microcephaly with or without chorioretinopathy, lymphedema, or intellectual disability; MICROCEPHALY AND CHORIORETINOPATHY WITH OR WITHOUT MENTAL RETARDATION, AUTOSOMAL DOMINANT; MICROCEPHALY, LYMPHEDEMA, CHORIORETINAL DYSPLASIA SYNDROME; Microcephaly lymphedema chorioretinal dysplasia; Microcephaly with or without chorioretinopathy, lymphedema, or mental retardation. Identifiers: Orphanet 2526, MedGen C1835265, MONDO:0007918, OMIM 152950.

Submission:

Institute of Human Genetics, University of Leipzig Medical Center
Classification: Likely pathogenic for Microcephaly with or without chorioretinopathy, lymphedema, or impaired intellectual development. Last evaluated: 2023-12-04. Review status: criteria provided, single submitter. Criteria: ACMG Guidelines, 2015. Collection method: clinical testing. Allele origin: unknown. Inheritance: Autosomal dominant inheritance. Affected: yes.
Comment: Criteria applied: PVS1,PM2_SUP